The following is an entry in ClinVar:

ClinVar aggregate classification (germline): Pathogenic. Review status: criteria provided, multiple submitters, no conflicts (2 of 4 stars). 2 submissions from 2 submitters: Pathogenic (2). Last evaluated 2022-02-02.

Conditions:
Polycystic kidney disease, adult type (PKD1). Also called: Polycystic Kidney Disease 1, Autosomal Dominant; Polycystic kidney disease 1; Polycystic kidney disease 1, severe; Polycystic Kidney, Autosomal Dominant; POLYCYSTIC KIDNEY DISEASE 1 WITH OR WITHOUT POLYCYSTIC LIVER DISEASE; POLYCYSTIC KIDNEY DISEASE, ADULT, TYPE I. Identifiers: MedGen C3149841, MONDO:0008263, OMIM 173900.

Submissions (2):

Victorian Clinical Genetics Services, Murdoch Childrens Research Institute
Classification: Pathogenic for Polycystic kidney disease, adult type. Last evaluated: 2022-02-02. Review status: criteria provided, single submitter. Criteria: ACMG Guidelines, 2015. Collection method: clinical testing. Allele origin: germline. Inheritance: Autosomal dominant inheritance.
Comment: Based on the classification scheme VCGS_Germline_v1.1.1, this variant is classified as Pathogenic. Following criteria are met: 0102 - Loss-of-function is a known mechanism of disease for this gene. (N) 0107 - This gene is known to be associated with autosomal dominant disease. Predominantly caused by monoallelic variants, with rare reports of bi-allelic variants causing disease. (N) 0201 - Variant is located in exon 12 of 46 and is predicted to cause nonsense-mediated decay (NMD) and loss of protein. (P) 0251 - Variant is heterozygous. (N) 0301 - Variant is absent from gnomAD. (P) 0701 - Comparable variants have very strong previous evidence for pathogenicity. Many pathogenic NMD-predicted variants in this gene have been reported in ClinVar and the ADPKD Mutation Database. (P) 0803 - Low previous evidence of pathogenicity in unrelated individuals. This variant has been reported in a family with autosomal dominant polycystic kidney disease (PMID:22508176) and has been reported as ‘definitely pathogenic’ in ADPKD Mutation Database. (P) 1208 - Inheritance information for this variant is not currently available. (N) Legend: (P) - Pathogenic, (N) - Neutral, (B) - Benign

Department of Pathology and Laboratory Medicine, Sinai Health System
Classification: Pathogenic for Polycystic kidney disease, adult type. Last evaluated: 2020-01-20. Review status: criteria provided, single submitter. Criteria: ACMG Guidelines, 2015. Collection method: clinical testing. Allele origin: germline.

Literature cited by the submitters: PubMed 22508176 (cited by Victorian Clinical Genetics Services, Murdoch Childrens Research Institute and Department of Pathology and Laboratory Medicine, Sinai Health System).

NM_001009944.3(PKD1):c.2968_2969delinsT (p.Ala990fs)

Gene: PKD1 (polycystin 1, transient receptor potential channel interacting; minus strand). Cytogenetic location: 16p13.3.
Variant type: Indel.
Coding change: c.2968_2969delinsT on transcript NM_001009944.3 (MANE Select); coding-DNA positions 2968 to 2969, GC replaced by T.
Protein change: p.Ala990fs; shifts the reading frame from alanine 990.
Molecular consequence: frameshift variant.
Genome position (GRCh38, 1-based): chr16:2,113,177-2,113,178, GC replaced by A on the plus strand (GC replaced by T on the coding strand, the reverse complement: PKD1 is on the minus strand). VCF-style: chr16-2113177-GC-A. GRCh37 (hg19) VCF-style: chr16-2163178-GC-A.
Other names: c.2968_2969delinsT, p.Ala990fs (NM_000296.4); short protein forms A990fs.
Identifiers: ClinVar variation 1805412 (VCV001805412.2), dbSNP rs2544844763, ClinGen allele CA2573050701.